The following is an entry in ClinVar:

NM_001377.3(DYNC2H1):c.9046A>G (p.Ile3016Val)

Gene: DYNC2H1 (dynein cytoplasmic 2 heavy chain 1; plus strand). Cytogenetic location: 11q22.3.
Variant type: single nucleotide variant.
Coding change: c.9046A>G on transcript NM_001377.3 (MANE Select); coding-DNA position 9046, A replaced by G.
Protein change: p.Ile3016Val; replaces isoleucine 3016 with valine.
Molecular consequence: missense variant.
Genome position (GRCh38, 1-based): chr11:103,220,722, A>G. VCF-style: chr11-103220722-A-G. GRCh37 (hg19) VCF-style: chr11-103091451-A-G.
Other names: c.9046A>G (NM_001080463.1); c.9046A>G, p.Ile3016Val (NM_001080463.2); short protein forms I3016V.
Identifiers: ClinVar variation 3708175 (VCV003708175.2).

ClinVar aggregate classification (germline): Uncertain significance. Review status: criteria provided, multiple submitters, no conflicts (2 of 4 stars). 2 submissions from 2 submitters: Uncertain significance (2). Last evaluated 2025-04-12.

Conditions:
Inborn genetic diseases. Identifiers: MedGen C0950123, MeSH D030342.
Jeune thoracic dystrophy. Also called: Jeune syndrome; Infantile thoracic dystrophy; Thoracic pelvic phalangeal dystrophy; Jeune's syndrome; Chondroectodermal dysplasia-like syndrome; Short-rib thoracic dysplasia. Identifiers: Orphanet 474, MedGen C0265275, MONDO:0018770.

gnomAD v4.1: 24 of 1,613,130 alleles (0.0015%); highest among the groups gnomAD compares: African/African-American, 0.021%; no homozygotes.

Submissions (2):

Ambry Genetics
Classification: Uncertain significance for Inborn genetic diseases. Last evaluated: 2025-04-12. Review status: criteria provided, single submitter. Criteria: Ambry Variant Classification Scheme 2023. Collection method: clinical testing. Allele origin: germline.

Labcorp Genetics (formerly Invitae), Labcorp
Classification: Uncertain significance for Jeune thoracic dystrophy. Last evaluated: 2024-06-30. Review status: criteria provided, single submitter. Criteria: Invitae Variant Classification Sherloc (09022015). Collection method: clinical testing. Allele origin: germline.
Comment: This sequence change replaces isoleucine, which is neutral and non-polar, with valine, which is neutral and non-polar, at codon 3016 of the DYNC2H1 protein (p.Ile3016Val). This variant is present in population databases (rs368178562, gnomAD 0.04%). This variant has not been reported in the literature in individuals affected with DYNC2H1-related conditions. Advanced modeling of protein sequence and biophysical properties (such as structural, functional, and spatial information, amino acid conservation, physicochemical variation, residue mobility, and thermodynamic stability) performed at Invitae indicates that this missense variant is not expected to disrupt DYNC2H1 protein function with a negative predictive value of 95%. In summary, the available evidence is currently insufficient to determine the role of this variant in disease. Therefore, it has been classified as a Variant of Uncertain Significance.